The following is an entry in ClinVar:

ClinVar aggregate classification (germline): Benign. Review status: criteria provided, multiple submitters, no conflicts (2 of 4 stars). 3 submissions from 3 submitters: Benign (3). Last evaluated 2018-01-13.

Conditions:
Pancreatic cancer, susceptibility to, 1. Identifiers: Orphanet 1333, MedGen C1847351, MONDO:0011739, OMIM 606856.

Allele frequency attached by ClinVar (database versions not stated): 1000 Genomes Project 0.10962; 1000 Genomes Project 30x 0.11196; gnomAD exomes 0.11392; gnomAD 0.12735 and 0.13125; TOPMed 0.13167.
gnomAD v4.1: 24,398 of 195,530 alleles (12%); highest among the groups gnomAD compares: Middle Eastern, 19%; 1,670 homozygotes.

Submissions (3):

Illumina Laboratory Services, Illumina
Classification: Benign for Pancreatic cancer, susceptibility to, 1. Last evaluated: 2018-01-13. Review status: criteria provided, single submitter. Criteria: ICSL Variant Classification Criteria 13 December 2019. Collection method: clinical testing. Allele origin: germline.
Comment: This variant was observed in the ICSL laboratory as part of a predisposition screen in an ostensibly healthy population. It had not been previously curated by ICSL or reported in the Human Gene Mutation Database (HGMD: prior to June 1st, 2018), and was therefore a candidate for classification through an automated scoring system. Utilizing variant allele frequency, disease prevalence and penetrance estimates, and inheritance mode, an automated score was calculated to assess if this variant is too frequent to cause the disease. Based on the score and internal cut-off values, a variant classified as benign is not then subjected to further curation. The score for this variant resulted in a classification of benign for this disease.

GeneDx
Classification: Benign. Last evaluated: 2015-03-03. Review status: criteria provided, single submitter. Criteria: GeneDx Variant Classification Process June 2021. Collection method: clinical testing. Allele origin: germline. Affected: yes.

Breakthrough Genomics
Classification: Benign. Review status: criteria provided, single submitter. Criteria: ACMG Guidelines, 2015. Collection method: not provided. Allele origin: germline. Inheritance: Autosomal dominant inheritance. Affected: yes.

NM_001166108.2(PALLD):c.*1906G>A

Genes: CBR4 (carbonyl reductase 4; minus strand), PALLD (palladin, cytoskeletal associated protein; plus strand). Cytogenetic location: 4q32.3.
Variant type: single nucleotide variant.
Coding change: c.*1906G>A on transcript NM_001166108.2 (MANE Select); 1906 bases downstream of the stop codon, G replaced by A.
Molecular consequence: 3 prime UTR variant.
Genome position (GRCh38, 1-based): chr4:168,928,086, G>A. VCF-style: chr4-168928086-G-A. GRCh37 (hg19) VCF-style: chr4-169849237-G-A.
Other names: c.*1701G>A (NM_001166109.2, NM_001166110.2, NM_001367568.1 and 1 more transcripts); c.*1906G>A (NM_001367567.1, NM_001367570.1, NM_016081.4).
Identifiers: ClinVar variation 348067 (VCV000348067.8), dbSNP rs1136603, ClinGen allele CA10618234.
Genomic context (GRCh38, chr4:168,928,086, plus strand): 5'-ATGTACAGCTTTCTACTTCTTTGTAAGAACACCAACCAACCAAGGTTTAAGTGATTAATA[G>A]GCTTGAGCACCGGGTGGCAGATGTTCTATGCAGTGTGGTTCAAGTTTCTTTGACCGCACT-3'